The following is an entry in ClinVar:

ClinVar aggregate classification (germline): Uncertain significance (1 of 4 stars; one submission).

Submission:

Labcorp Genetics (formerly Invitae), Labcorp
Classification: Uncertain significance. Last evaluated: 2024-03-14. Review status: criteria provided, single submitter. Criteria: Invitae Variant Classification Sherloc (09022015). Collection method: clinical testing. Allele origin: germline.
Comment: This sequence change falls in intron 3 of the LPIN1 gene. It does not directly change the encoded amino acid sequence of the LPIN1 protein. This variant is present in population databases (no rsID available, gnomAD 0.0009%). This variant has not been reported in the literature in individuals affected with LPIN1-related conditions. Algorithms developed to predict the effect of sequence changes on RNA splicing suggest that this variant may disrupt the consensus splice site. In summary, the available evidence is currently insufficient to determine the role of this variant in disease. Therefore, it has been classified as a Variant of Uncertain Significance.

NM_001349206.2(LPIN1):c.289-7_289-3del

Gene: LPIN1 (lipin 1; plus strand). Cytogenetic location: 2p25.1.
Variant type: Microsatellite.
Coding change: c.289-7_289-3del on transcript NM_001349206.2 (MANE Select); 7 bases into the intron before coding-DNA position 289 through 3 bases into the intron before coding-DNA position 289, 5 bases deleted (TTCTT; older notation c.289-7_289-3delTTCTT).
Molecular consequence: intron variant.
Genome position (GRCh38, 1-based): chr2:11,771,365-11,771,369, TTCTT deleted; deleting any 5 consecutive bases within chr2:11,771,360-11,771,369 gives the same sequence; the c. name uses the placement nearest the transcript's 3' end. VCF-style (leftmost placement, unchanged base first): chr2-11771359-GTTCTT-G. GRCh37 (hg19) VCF-style: chr2-11911485-GTTCTT-G.
Other names: c.436-7_436-3del (NM_001261428.3, NM_001349208.2); c.379-7_379-3del (NM_001349207.2); c.307-7_307-3del (NM_001261427.3); c.289-7_289-3del (NM_001349204.2, NM_001349202.2, NM_001349200.2 and 5 more transcripts).
Identifiers: ClinVar variation 3709672 (VCV003709672.2).